The following is an entry in ClinVar:

ClinVar aggregate classification (germline): Uncertain significance (1 of 4 stars; one submission).

gnomAD v4.1: 1 of 1,614,012 alleles (0.000062%); highest among the groups gnomAD compares: Non-Finnish European, 0.000085%; no homozygotes.

Submission:

Ambry Genetics
Classification: Uncertain significance. Last evaluated: 2023-02-28. Review status: criteria provided, single submitter. Criteria: Ambry Variant Classification Scheme 2023. Collection method: clinical testing. Allele origin: germline.
Comment: The p.Y297C variant (also known as c.890A>G), located in coding exon 6 of the BUB3 gene, results from an A to G substitution at nucleotide position 890. The tyrosine at codon 297 is replaced by cysteine, an amino acid with highly dissimilar properties. This amino acid position is conserved. In addition, this alteration is predicted to be deleterious by in silico analysis. Since supporting evidence is limited at this time, the clinical significance of this alteration remains unclear.

NM_004725.4(BUB3):c.890A>G (p.Tyr297Cys)

Gene: BUB3 (BUB3 mitotic checkpoint protein; plus strand). Cytogenetic location: 10q26.13.
Variant type: single nucleotide variant.
Coding change: c.890A>G on transcript NM_004725.4 (MANE Select); coding-DNA position 890, A replaced by G.
Protein change: p.Tyr297Cys; replaces tyrosine 297 with cysteine.
Molecular consequence: missense variant.
Genome position (GRCh38, 1-based): chr10:123,162,747, A>G. VCF-style: chr10-123162747-A-G. GRCh37 (hg19) VCF-style: chr10-124922263-A-G.
Other names: c.890A>G, p.Tyr297Cys (NM_001007793.3); short protein forms Y297C.
Identifiers: ClinVar variation 2496886 (VCV002496886.2), dbSNP rs757176984, ClinGen allele CA378627134.